The following is an entry in ClinVar:

NM_001040108.2(MLH3):c.924T>G (p.Ile308Met)

Gene: MLH3 (mutL homolog 3; minus strand). Cytogenetic location: 14q24.3.
Variant type: single nucleotide variant.
Coding change: c.924T>G on transcript NM_001040108.2 (MANE Select); coding-DNA position 924, T replaced by G.
Protein change: p.Ile308Met; replaces isoleucine 308 with methionine.
Molecular consequence: missense variant.
Genome position (GRCh38, 1-based): chr14:75,048,732, A>C on the plus strand (T>G on the coding strand, the complement: MLH3 is on the minus strand). VCF-style: chr14-75048732-A-C. GRCh37 (hg19) VCF-style: chr14-75515435-A-C.
Other names: c.924T>G, p.Ile308Met (NM_014381.3); short protein forms I308M.
Identifiers: ClinVar variation 2563558 (VCV002563558.2), dbSNP rs2139594367, ClinGen allele CA390448741.
Genomic context (GRCh38, chr14:75,048,732, plus strand): 5'-AATCAGAGTTTTGGCTGGCTCCATGCACACATCATACTCACAGAATTGGCACTGCACATT[A>C]ATTACATATATGCCATAGAGTTCTGGGGTAGACCGGTGCCGAAGACTTGAATTCATTTGC-3'
Protein context (NP_001035197.1, residues 298-318): STPELYGIYV[Ile308Met]NVQCQFCEYD

ClinVar aggregate classification (germline): Uncertain significance (1 of 4 stars; one submission).

Submission:

Ambry Genetics
Classification: Uncertain significance. Last evaluated: 2023-05-07. Review status: criteria provided, single submitter. Criteria: Ambry Variant Classification Scheme 2023. Collection method: clinical testing. Allele origin: germline.
Comment: The p.I308M variant (also known as c.924T>G), located in coding exon 1 of the MLH3 gene, results from a T to G substitution at nucleotide position 924. The isoleucine at codon 308 is replaced by methionine, an amino acid with highly similar properties. This amino acid position is conserved. In addition, this alteration is predicted to be tolerated by in silico analysis. Since supporting evidence is limited at this time, the clinical significance of this alteration remains unclear.